The following is an entry in ClinVar:

NM_002578.5(PAK3):c.534AGA[3] (p.Glu181_Glu182del)

Gene: PAK3 (p21 (RAC1) activated kinase 3; plus strand). Cytogenetic location: Xq23.
Variant type: Microsatellite.
Coding change: c.534AGA[3] on transcript NM_002578.5 (MANE Select); three copies in a row of the 3-base unit AGA starting at c.534; the reference has five copies in a row; two copies, 6 bases deleted.
Protein change: p.Glu181_Glu182del.
Molecular consequence: non-coding transcript variant (on NR_136747.2).
Genome position (GRCh38, 1-based): chrX:111,162,989-111,162,994, AGAAGA deleted; deleting any 6 consecutive bases within chrX:111,162,978-111,162,994 gives the same sequence; the position shown is the placement nearest the transcript's 3' end. VCF-style (leftmost placement, unchanged base first): chrX-111162977-GGAAGAA-G. GRCh37 (hg19) VCF-style: chrX-110406205-GGAAGAA-G.
Other names: c.534AGA[3], p.Glu181_Glu182del (NM_001128166.3, NM_001128167.3, NM_001324325.2 and 5 more transcripts); c.642AGA[3], p.Glu217_Glu218del (NM_001128168.3); c.597AGA[3], p.Glu202_Glu203del (NM_001128172.2); c.579AGA[3], p.Glu196_Glu197del (NM_001128173.3, NM_001324327.2, NM_001324328.2 and 2 more transcripts).
Identifiers: ClinVar variation 3764395 (VCV003764395.1).

ClinVar aggregate classification (germline): Uncertain significance (1 of 4 stars; one submission).

Submission:

GeneDx
Classification: Uncertain significance. Last evaluated: 2024-08-21. Review status: criteria provided, single submitter. Criteria: GeneDx Variant Classification Process June 2021. Collection method: clinical testing. Allele origin: germline. Affected: yes.
Comment: Not observed at significant frequency in large population cohorts (gnomAD); In-frame deletion of 2 amino acids in a non-repeat region; In silico analysis indicates that this variant does not alter protein structure/function; Has not been previously published as pathogenic or benign to our knowledge